The following is an entry in ClinVar:

ClinVar aggregate classification (germline): Uncertain significance (1 of 4 stars; one submission).

gnomAD v4.1: 1 of 1,203,737 alleles (0.000083%); highest among the groups gnomAD compares: Non-Finnish European, 0.00011%; no homozygotes.

Submission:

Labcorp Genetics (formerly Invitae), Labcorp
Classification: Uncertain significance. Last evaluated: 2024-05-18. Review status: criteria provided, single submitter. Criteria: Invitae Variant Classification Sherloc (09022015). Collection method: clinical testing. Allele origin: germline.
Comment: This sequence change replaces lysine, which is basic and polar, with glutamine, which is neutral and polar, at codon 1800 of the CACNA1F protein (p.Lys1800Gln). This variant is not present in population databases (gnomAD no frequency). This variant has not been reported in the literature in individuals affected with CACNA1F-related conditions. An algorithm developed to predict the effect of missense changes on protein structure and function (PolyPhen-2) suggests that this variant is likely to be tolerated. In summary, the available evidence is currently insufficient to determine the role of this variant in disease. Therefore, it has been classified as a Variant of Uncertain Significance.

NM_001256789.3(CACNA1F):c.5365A>C (p.Lys1789Gln)

Gene: CACNA1F (calcium voltage-gated channel subunit alpha1 F; minus strand). Cytogenetic location: Xp11.23.
Variant type: single nucleotide variant.
Coding change: c.5365A>C on transcript NM_001256789.3 (MANE Select); coding-DNA position 5365, A replaced by C.
Protein change: p.Lys1789Gln; replaces lysine 1789 with glutamine.
Molecular consequence: missense variant.
Genome position (GRCh38, 1-based): chrX:49,206,618, T>G on the plus strand (A>C on the coding strand, the complement: CACNA1F is on the minus strand). VCF-style: chrX-49206618-T-G. GRCh37 (hg19) VCF-style: chrX-49063079-T-G.
Other names: c.5203A>C, p.Lys1735Gln (NM_001256790.3); c.5398A>C, p.Lys1800Gln (NM_005183.4); short protein forms K1789Q, K1735Q, K1800Q.
Identifiers: ClinVar variation 3653794 (VCV003653794.2).